The following is an entry in ClinVar:

ClinVar aggregate classification (germline): Uncertain significance (1 of 4 stars; one submission).

Submission:

GeneDx
Classification: Uncertain significance. Last evaluated: 2019-05-28. Review status: criteria provided, single submitter. Criteria: GeneDx Variant Classification Process June 2021. Collection method: clinical testing. Allele origin: germline. Affected: yes.
Comment: Not observed in large population cohorts (Lek et al., 2016); In silico analysis, which includes protein predictors and evolutionary conservation, supports that this variant does not alter protein structure/function; Has not been previously published as pathogenic or benign to our knowledge

NM_004187.5(KDM5C):c.4675C>G (p.Gln1559Glu)

Gene: KDM5C (lysine demethylase 5C; minus strand). Cytogenetic location: Xp11.22.
Variant type: single nucleotide variant.
Coding change: c.4675C>G on transcript NM_004187.5 (MANE Select); coding-DNA position 4675, C replaced by G.
Protein change: p.Gln1559Glu; replaces glutamine 1559 with glutamic acid.
Molecular consequence: missense variant. On other transcripts: intron variant (5).
Genome position (GRCh38, 1-based): chrX:53,192,975, G>C on the plus strand (C>G on the coding strand, the complement: KDM5C is on the minus strand). VCF-style: chrX-53192975-G-C. GRCh37 (hg19) VCF-style: chrX-53222157-G-C.
Other names: c.4672C>G, p.Gln1558Glu (NM_001282622.3); c.4666C>G, p.Gln1556Glu (NM_001353978.3); c.4305+462C>G (NM_001353982.2); c.4314+462C>G (NM_001353979.2); c.4308+462C>G (NM_001353981.2, NM_001353984.2); c.4047-138C>G (NM_001146702.2); short protein forms Q1556E, Q1558E, Q1559E.
Identifiers: ClinVar variation 1305999 (VCV001305999.2), dbSNP rs1463790897, ClinGen allele CA413101740.